The following is an entry in ClinVar:

ClinVar aggregate classification (germline): Likely pathogenic. Review status: criteria provided, single submitter (1 of 4 stars). 2 submissions from 1 submitter: Likely pathogenic (1). 1 of the submissions does not count toward it. Last evaluated 2016-01-01.

Conditions:
Usher syndrome type 2A. Also called: RETINAL DISEASE IN USHER SYNDROME TYPE IIA, MODIFIER OF; USHER SYNDROME, TYPE IIA. Identifiers: Orphanet 231178, Orphanet 886, MedGen C1848634, MONDO:0010169, OMIM 276901.
Congenital sensorineural hearing impairment. Identifiers: MedGen C1865866, HP:0008527.

Submissions (2):

Centre for Mendelian Genomics, University Medical Centre Ljubljana
Classification: Likely pathogenic for Usher syndrome type 2A. Last evaluated: 2016-01-01. Review status: criteria provided, single submitter. Criteria: ACMG Guidelines, 2015. Collection method: clinical testing. Allele origin: unknown. Affected: yes.
Comment: This variant was classified as: Likely pathogenic.

Centre for Mendelian Genomics, University Medical Centre Ljubljana
Classification: Likely pathogenic for Congenital sensorineural hearing impairment. Last evaluated: 2016-02-12. Review status: no assertion criteria provided. Collection method: clinical testing. Allele origin: unknown. Affected: yes. Not counted in ClinVar's aggregate classification.

NM_206933.4(USH2A):c.6722C>A (p.Pro2241His)

Gene: USH2A (usherin; minus strand). Cytogenetic location: 1q41.
Variant type: single nucleotide variant.
Coding change: c.6722C>A on transcript NM_206933.4 (MANE Select); coding-DNA position 6722, C replaced by A.
Protein change: p.Pro2241His; replaces proline 2241 with histidine.
Molecular consequence: missense variant.
Genome position (GRCh38, 1-based): chr1:215,993,103, G>T on the plus strand (C>A on the coding strand, the complement: USH2A is on the minus strand). VCF-style: chr1-215993103-G-T. GRCh37 (hg19) VCF-style: chr1-216166445-G-T.
Other names: short protein forms P2241H.
Identifiers: ClinVar variation 374001 (VCV000374001.4), dbSNP rs1057518826, ClinGen allele CA16043365.